The following is an entry in ClinVar:

NM_001242896.3(DEPDC5):c.2768A>G (p.Gln923Arg)

Gene: DEPDC5 (DEP domain containing 5, GATOR1 subcomplex subunit; plus strand). Cytogenetic location: 22q12.3.
Variant type: single nucleotide variant.
Coding change: c.2768A>G on transcript NM_001242896.3 (MANE Select); coding-DNA position 2768, A replaced by G.
Protein change: p.Gln923Arg; replaces glutamine 923 with arginine.
Molecular consequence: missense variant. On other transcripts: non-coding transcript variant (5).
Genome position (GRCh38, 1-based): chr22:31,843,779, A>G. VCF-style: chr22-31843779-A-G. GRCh37 (hg19) VCF-style: chr22-32239765-A-G.
Other names: c.2741A>G, p.Gln914Arg (NM_001136029.4, NM_001369903.1, NM_014662.6); c.2534A>G, p.Gln845Arg (NM_001242897.2, NM_001363854.2, NM_001364319.2); c.2768A>G, p.Gln923Arg (NM_001363852.2, NM_001364318.2, NM_001364320.2); c.2684A>G, p.Gln895Arg (NM_001369901.1, NM_001369902.1); short protein forms Q845R, Q895R, Q914R, Q923R.
Identifiers: ClinVar variation 2635227 (VCV002635227.5), dbSNP rs1302153780, ClinGen allele CA411290164.
Genomic context (GRCh38, chr22:31,843,779, plus strand): 5'-CCTGCTGGGTGGAATTCTCCCACGAACGGCTGGAGGAGTACAAGTGGAATTACTTAGATC[A>G]GTATATCTGTTCTGCCGGCTCTGAAGACTTCAGGTCAGAGAGTGGGCTTTGGATTTCCAT-3'
Protein context (NP_001229825.1, residues 913-933): LEEYKWNYLD[Gln923Arg]YICSAGSEDF

ClinVar aggregate classification (germline): Uncertain significance. Review status: criteria provided, multiple submitters, no conflicts (2 of 4 stars). 3 submissions from 3 submitters: Uncertain significance (3). Last evaluated 2025-07-12.

Conditions:
DEPDC5-related disorder. Also called: DEPDC5-related condition; DEPDC5-related related disorder.
Familial focal epilepsy with variable foci (FPEVF). Identifiers: Orphanet 98820, MedGen C1858477, MONDO:0020310.

gnomAD v4.1: 1 of 1,612,002 alleles (0.000062%); no homozygotes.

Submissions (3):

GeneDx
Classification: Uncertain significance. Last evaluated: 2025-07-12. Review status: criteria provided, single submitter. Criteria: GeneDx Variant Classification Process June 2021. Collection method: clinical testing. Allele origin: germline. Affected: yes.
Comment: Not observed at significant frequency in large population cohorts (gnomAD); In silico analysis suggests that this missense variant does not alter protein structure/function; Has not been previously published as pathogenic or benign to our knowledge

Labcorp Genetics (formerly Invitae), Labcorp
Classification: Uncertain significance for Familial focal epilepsy with variable foci. Last evaluated: 2023-11-18. Review status: criteria provided, single submitter. Criteria: Invitae Variant Classification Sherloc (09022015). Collection method: clinical testing. Allele origin: germline.
Comment: This sequence change replaces glutamine, which is neutral and polar, with arginine, which is basic and polar, at codon 923 of the DEPDC5 protein (p.Gln923Arg). This variant is not present in population databases (gnomAD no frequency). This variant has not been reported in the literature in individuals affected with DEPDC5-related conditions. Experimental studies and prediction algorithms are not available or were not evaluated, and the functional significance of this variant is currently unknown. In summary, the available evidence is currently insufficient to determine the role of this variant in disease. Therefore, it has been classified as a Variant of Uncertain Significance.

PreventionGenetics, part of Exact Sciences
Classification: Uncertain significance for DEPDC5-related condition. Last evaluated: 2022-11-01. Review status: criteria provided, single submitter. Criteria: ACMG Guidelines, 2015. Collection method: clinical testing. Allele origin: germline.
Comment: The DEPDC5 c.2768A>G variant is predicted to result in the amino acid substitution p.Gln923Arg. To our knowledge, this variant has not been reported in the literature or in a large population database, indicating this variant is rare. At this time, the clinical significance of this variant is uncertain due to the absence of conclusive functional and genetic evidence.